The following is an entry in ClinVar:

ClinVar aggregate classification (germline): Likely benign. Review status: criteria provided, multiple submitters, no conflicts (2 of 4 stars). 3 submissions from 3 submitters: Likely benign (3). Last evaluated 2026-03-19.

Conditions:
POLR1D-related disorder. Also called: POLR1D-related condition.
Inborn genetic diseases. Identifiers: MedGen C0950123, MeSH D030342.

Allele frequency attached by ClinVar (database versions not stated): TOPMed 0.00001; gnomAD 0.00004; ExAC 0.00008.
gnomAD v4.1: 61 of 1,613,890 alleles (0.0038%); highest among the groups gnomAD compares: South Asian, 0.027%; 1 homozygote.

Submissions (3):

PreventionGenetics, part of Exact Sciences
Classification: Likely benign for POLR1D-related condition. Last evaluated: 2026-03-19. Review status: criteria provided, single submitter. Criteria: ACMG Guidelines, 2015. Collection method: clinical testing. Allele origin: germline.
Comment: This variant is classified as likely benign based on ACMG/AMP sequence variant interpretation guidelines (Richards et al. 2015 PMID: 25741868, with internal and published modifications).

Labcorp Genetics (formerly Invitae), Labcorp
Classification: Likely benign. Last evaluated: 2025-06-22. Review status: criteria provided, single submitter. Criteria: Invitae Variant Classification Sherloc (09022015). Collection method: clinical testing. Allele origin: germline.

Ambry Genetics
Classification: Likely benign for Inborn genetic diseases. Last evaluated: 2024-10-09. Review status: criteria provided, single submitter. Criteria: Ambry Variant Classification Scheme 2023. Collection method: clinical testing. Allele origin: germline.

NM_015972.4(POLR1D):c.189G>A (p.Pro63=)

Genes: POLR1D (RNA polymerase I and III subunit D; plus strand), LOC147380392 (uncharacterized LOC147380392; plus strand). Cytogenetic location: 13q12.2.
Variant type: single nucleotide variant.
Coding change: c.189G>A on transcript NM_015972.4 (MANE Select); coding-DNA position 189, G replaced by A.
Protein change: p.Pro63=; no amino-acid change (proline 63 retained).
Molecular consequence: synonymous variant. On other transcripts: intron variant (2).
Genome position (GRCh38, 1-based): chr13:27,623,037, G>A. VCF-style: chr13-27623037-G-A. GRCh37 (hg19) VCF-style: chr13-28197174-G-A.
Other names: c.189G>A (NM_015972.3); c.189G>A, p.Pro63= (NM_001374407.1); c.-59+1897G>A (NM_001206559.2); c.26+1028G>A (NM_152705.3).
Identifiers: ClinVar variation 1608890 (VCV001608890.10), dbSNP rs201796232, ClinGen allele CA6927271.